The following is an entry in ClinVar:

NM_001127208.3(TET2):c.3748G>A (p.Glu1250Lys)

Genes: TET2 (tet methylcytosine dioxygenase 2; plus strand), TET2-AS1 (TET2 antisense RNA 1; minus strand). Cytogenetic location: 4q24.
Variant type: single nucleotide variant.
Coding change: c.3748G>A on transcript NM_001127208.3 (MANE Select); coding-DNA position 3748, G replaced by A.
Protein change: p.Glu1250Lys; replaces glutamic acid 1250 with lysine.
Molecular consequence: missense variant.
Genome position (GRCh38, 1-based): chr4:105,243,723, G>A. VCF-style: chr4-105243723-G-A. GRCh37 (hg19) VCF-style: chr4-106164880-G-A.
Other names: short protein forms E1250K.
Identifiers: ClinVar variation 2879200 (VCV002879200.3), dbSNP rs1415830017, ClinGen allele CA357805267.
Genomic context (GRCh38, chr4:105,243,723, plus strand): 5'-ATCCTGGTGTGGGAAGGAATCCCGCTGTCTCTGGCTGACAAACTCTACTCGGAGCTTACC[G>A]AGACGCTGAGGAAATACGGCACGCTCACCAATCGCCGGTGTGCCTTGAATGAAGAGTAAG-3'
Protein context (NP_001120680.1, residues 1240-1260): LADKLYSELT[Glu1250Lys]TLRKYGTLTN

ClinVar aggregate classification (germline): Uncertain significance (1 of 4 stars; one submission).

gnomAD v4.1: 7 of 1,551,532 alleles (0.00045%); highest among the groups gnomAD compares: Middle Eastern, 0.033%; no homozygotes.

Submission:

Labcorp Genetics (formerly Invitae), Labcorp
Classification: Uncertain significance. Last evaluated: 2023-12-27. Review status: criteria provided, single submitter. Criteria: Invitae Variant Classification Sherloc (09022015). Collection method: clinical testing. Allele origin: germline.
Comment: This sequence change replaces glutamic acid, which is acidic and polar, with lysine, which is basic and polar, at codon 1250 of the TET2 protein (p.Glu1250Lys). This variant is not present in population databases (gnomAD no frequency). This variant has not been reported in the literature in individuals affected with TET2-related conditions. An algorithm developed to predict the effect of missense changes on protein structure and function (PolyPhen-2) suggests that this variant is likely to be tolerated. In summary, the available evidence is currently insufficient to determine the role of this variant in disease. Therefore, it has been classified as a Variant of Uncertain Significance.